The following is an entry in ClinVar:

ClinVar aggregate classification (germline): Benign (1 of 4 stars; one submission).

Conditions:
Diabetes insipidus, nephrogenic, X-linked. Also called: Nephrogenic Diabetes Insipidus, Type I. Identifiers: Orphanet 223, MedGen C1563705, MONDO:0010581, OMIM 304800.

Allele frequency attached by ClinVar (database versions not stated): gnomAD 0.00013 and 0.00014; TOPMed 0.00016; gnomAD exomes 0.00032 and 0.00058; ExAC 0.00164.

Submission:

Illumina Laboratory Services, Illumina
Classification: Benign for Diabetes insipidus, nephrogenic, X-linked. Last evaluated: 2018-01-13. Review status: criteria provided, single submitter. Criteria: ICSL Variant Classification Criteria 13 December 2019. Collection method: clinical testing. Allele origin: germline.
Comment: This variant was observed in the ICSL laboratory as part of a predisposition screen in an ostensibly healthy population. It had not been previously curated by ICSL or reported in the Human Gene Mutation Database (HGMD: prior to June 1st, 2018), and was therefore a candidate for classification through an automated scoring system. Utilizing variant allele frequency, disease prevalence and penetrance estimates, and inheritance mode, an automated score was calculated to assess if this variant is too frequent to cause the disease. Based on the score and internal cut-off values, a variant classified as benign is not then subjected to further curation. The score for this variant resulted in a classification of benign for this disease.

NM_000054.7(AVPR2):c.*326A>C

Gene: AVPR2 (arginine vasopressin receptor 2; plus strand). Cytogenetic location: Xq28.
Variant type: single nucleotide variant.
Coding change: c.*326A>C on transcript NM_000054.7 (MANE Select); 326 bases downstream of the stop codon, A replaced by C.
Molecular consequence: 3 prime UTR variant. On other transcripts: non-coding transcript variant (1).
Genome position (GRCh38, 1-based): chrX:153,907,054, A>C. VCF-style: chrX-153907054-A-C. GRCh37 (hg19) VCF-style: chrX-153172508-A-C.
Other names: c.*618A>C (NM_001146151.3).
Identifiers: ClinVar variation 913760 (VCV000913760.4), dbSNP rs781796044, ClinGen allele CA10555172.
Genomic context (GRCh38, chrX:153,907,054, plus strand): 5'-AGAGGCCTGAGGAGTGGCAGGAAAGAGGGAGCAGGTGCCCCCAGGTGAGACAGCGGTCCC[A>C]GGGGCCTGAAAAGGAAGGACCAGGCTGGGGCCAGGGGACCTTCCTGTCTCCGCCTTTCTA-3'